The following is an entry in ClinVar:

ClinVar aggregate classification (germline): Uncertain significance (1 of 4 stars; one submission).

Conditions:
Long QT syndrome (LQTS). Identifiers: MedGen C0023976, MeSH D008133, MONDO:0002442. Disease mechanism: loss of function. Inheritance: Various modes of inheritance.

Submission:

Labcorp Genetics (formerly Invitae), Labcorp
Classification: Uncertain significance for Long QT syndrome. Last evaluated: 2024-03-19. Review status: criteria provided, single submitter. Criteria: Invitae Variant Classification Sherloc (09022015). Collection method: clinical testing. Allele origin: germline.
Comment: This sequence change replaces valine, which is neutral and non-polar, with methionine, which is neutral and non-polar, at codon 1441 of the ANK2 protein (p.Val1441Met). This variant is not present in population databases (gnomAD no frequency). This variant has not been reported in the literature in individuals affected with ANK2-related conditions. Advanced modeling of protein sequence and biophysical properties (such as structural, functional, and spatial information, amino acid conservation, physicochemical variation, residue mobility, and thermodynamic stability) performed at Invitae indicates that this missense variant is expected to disrupt ANK2 protein function with a positive predictive value of 80%. In summary, the available evidence is currently insufficient to determine the role of this variant in disease. Therefore, it has been classified as a Variant of Uncertain Significance.

NM_001148.6(ANK2):c.4321G>A (p.Val1441Met)

Gene: ANK2 (ankyrin 2; plus strand). Cytogenetic location: 4q26.
Variant type: single nucleotide variant.
Coding change: c.4321G>A on transcript NM_001148.6 (MANE Select); coding-DNA position 4321, G replaced by A.
Protein change: p.Val1441Met; replaces valine 1441 with methionine.
Molecular consequence: missense variant.
Genome position (GRCh38, 1-based): chr4:113,345,972, G>A. VCF-style: chr4-113345972-G-A. GRCh37 (hg19) VCF-style: chr4-114267128-G-A.
Other names: c.4294G>A, p.Val1432Met (NM_001127493.3); c.4333G>A, p.Val1445Met (NM_001354225.2); c.4222G>A, p.Val1408Met (NM_001354228.2, NM_001354258.2); c.4300G>A, p.Val1434Met (NM_001354230.2); c.4363G>A, p.Val1455Met (NM_001354231.2, NM_001354242.2); c.4357G>A, p.Val1453Met (NM_001354232.2); c.4318G>A, p.Val1440Met (NM_001354235.2, NM_001354246.2, NM_001354265.2); c.4219G>A, p.Val1407Met (NM_001354236.2); and 31 more; short protein forms V1280M, V1313M, V1341M, V1346M, V1354M, V1366M, V1370M, V1374M.
Identifiers: ClinVar variation 3617537 (VCV003617537.2).